The following is an entry in ClinVar:

NM_170699.3(GPBAR1):c.517C>T (p.Leu173Phe)

Gene: GPBAR1 (G protein-coupled bile acid receptor 1; plus strand). Cytogenetic location: 2q35.
Variant type: single nucleotide variant.
Coding change: c.517C>T on transcript NM_170699.3 (MANE Select); coding-DNA position 517, C replaced by T.
Protein change: p.Leu173Phe; replaces leucine 173 with phenylalanine.
Molecular consequence: missense variant.
Genome position (GRCh38, 1-based): chr2:218,263,241, C>T. VCF-style: chr2-218263241-C-T. GRCh37 (hg19) VCF-style: chr2-219127964-C-T.
Other names: c.517C>T, p.Leu173Phe (NM_001077191.2, NM_001077194.2, NM_001321950.2); c.517C>T (NM_001321950.1); short protein forms L173F.
Identifiers: ClinVar variation 594816 (VCV000594816.6), dbSNP rs201264973, ClinGen allele CA2102604.
Genomic context (GRCh38, chr2:218,263,241, plus strand): 5'-GCCAACTGCAGCTCCCAGGCTATCTTCCCAGCCCCCTACCTGTACCTCGAAGTCTATGGG[C>T]TCCTGCTGCCCGCCGTGGGTGCTGCTGCCTTCCTCTCTGTCCGCGTGCTGGCCACTGCCC-3'
Protein context (NP_733800.1, residues 163-183): APYLYLEVYG[Leu173Phe]LLPAVGAAAF

ClinVar aggregate classification (germline): Uncertain significance. Review status: criteria provided, multiple submitters, no conflicts (2 of 4 stars). 2 submissions from 2 submitters: Uncertain significance (2). Last evaluated 2026-06-24.

Conditions:
GPBAR1-related disorder. Also called: GPBAR1-related condition.

Allele frequency attached by ClinVar (database versions not stated): gnomAD 0.00001; gnomAD exomes 0.00003 and 0.00005; TOPMed 0.00003; ExAC 0.00004.

Submissions (2):

PreventionGenetics, part of Exact Sciences
Classification: Uncertain significance for GPBAR1-related condition. Last evaluated: 2026-06-24. Review status: criteria provided, single submitter. Criteria: ACMG Guidelines, 2015. Collection method: clinical testing. Allele origin: germline.
Comment: The GPBAR1 c.517C>T variant is predicted to result in the amino acid substitution p.Leu173Phe. To our knowledge, this variant has not been reported in the literature. This variant is reported in 0.035% of alleles in individuals of Latino descent in gnomAD. At this time, the clinical significance of this variant is uncertain due to the absence of conclusive functional and genetic evidence.

Eurofins Ntd Llc (ga)
Classification: Uncertain significance. Last evaluated: 2017-11-08. Review status: criteria provided, single submitter. Criteria: EGL Classification Definitions 2015. Collection method: clinical testing. Allele origin: germline. Observed: 2 variant alleles, 2 heterozygotes.